The following is an entry in ClinVar:

ClinVar aggregate classification (germline): Uncertain significance (1 of 4 stars; one submission).

Conditions:
Mitochondrial hypertrophic cardiomyopathy with lactic acidosis due to MTO1 deficiency. Also called: CARDIOMYOPATHY, INFANTILE HYPERTROPHIC MITOCHONDRIAL, AND LACTIC ACIDOSIS; Combined oxidative phosphorylation deficiency 10. Identifiers: Orphanet 314637, MedGen C4749921, MONDO:0013865, OMIM 614702.

Allele frequency attached by ClinVar (database versions not stated): gnomAD exomes below 0.00001; ExAC 0.00001.
gnomAD v4.1: 1 of 1,601,822 alleles (0.000062%); highest among the groups gnomAD compares: Non-Finnish European, 0.000086%; no homozygotes.

Submission:

Labcorp Genetics (formerly Invitae), Labcorp
Classification: Uncertain significance for Mitochondrial hypertrophic cardiomyopathy with lactic acidosis due to MTO1 deficiency. Last evaluated: 2021-09-14. Review status: criteria provided, single submitter. Criteria: Invitae Variant Classification Sherloc (09022015). Collection method: clinical testing. Allele origin: germline.
Comment: This sequence change replaces alanine with valine at codon 547 of the MTO1 protein (p.Ala547Val). The alanine residue is highly conserved and there is a small physicochemical difference between alanine and valine. This variant is present in population databases (rs751843868, ExAC 0.002%). This variant has not been reported in the literature in individuals affected with MTO1-related conditions. Algorithms developed to predict the effect of missense changes on protein structure and function are either unavailable or do not agree on the potential impact of this missense change (SIFT: "Deleterious"; PolyPhen-2: "Benign"; Align-GVGD: "Class C15"). In summary, the available evidence is currently insufficient to determine the role of this variant in disease. Therefore, it has been classified as a Variant of Uncertain Significance.

NM_012123.4(MTO1):c.1640C>T (p.Ala547Val)

Gene: MTO1 (mitochondrial tRNA translation optimization 1; plus strand). Cytogenetic location: 6q13.
Variant type: single nucleotide variant.
Coding change: c.1640C>T on transcript NM_012123.4 (MANE Select); coding-DNA position 1640, C replaced by T.
Protein change: p.Ala547Val; replaces alanine 547 with valine.
Molecular consequence: missense variant.
Genome position (GRCh38, 1-based): chr6:73,492,236, C>T. VCF-style: chr6-73492236-C-T. GRCh37 (hg19) VCF-style: chr6-74201959-C-T.
Other names: c.1760C>T, p.Ala587Val (NM_001123226.2); c.1715C>T, p.Ala572Val (NM_133645.3); short protein forms A547V, A587V, A572V.
Identifiers: ClinVar variation 1381387 (VCV001381387.3), dbSNP rs751843868, ClinGen allele CA3889722.